The following is an entry in ClinVar:

NM_138576.4(BCL11B):c.2555A>T (p.Glu852Val)

Gene: BCL11B (BCL11 transcription factor B; minus strand). Cytogenetic location: 14q32.2.
Variant type: single nucleotide variant.
Coding change: c.2555A>T on transcript NM_138576.4 (MANE Select); coding-DNA position 2555, A replaced by T.
Protein change: p.Glu852Val; replaces glutamic acid 852 with valine.
Molecular consequence: missense variant.
Genome position (GRCh38, 1-based): chr14:99,174,281, T>A on the plus strand (A>T on the coding strand, the complement: BCL11B is on the minus strand). VCF-style: chr14-99174281-T-A. GRCh37 (hg19) VCF-style: chr14-99640618-T-A.
Other names: c.2552A>T, p.Glu851Val (NM_001282237.2); c.2339A>T, p.Glu780Val (NM_001282238.2); c.2342A>T, p.Glu781Val (NM_022898.3); short protein forms E780V, E781V, E851V, E852V.
Identifiers: ClinVar variation 2502124 (VCV002502124.1), dbSNP rs2503635819, ClinGen allele CA390932946.

ClinVar aggregate classification (germline): Uncertain significance (1 of 4 stars; one submission).

Submission:

GeneDx
Classification: Uncertain significance. Last evaluated: 2022-11-15. Review status: criteria provided, single submitter. Criteria: GeneDx Variant Classification Process June 2021. Collection method: clinical testing. Allele origin: germline. Affected: yes.
Comment: Not observed at significant frequency in large population cohorts (gnomAD); In silico analysis supports that this missense variant has a deleterious effect on protein structure/function; Has not been previously published as pathogenic or benign to our knowledge